The following is an entry in ClinVar:

NM_020831.6(MRTFA):c.1865A>T (p.Asp622Val)

Gene: MRTFA (myocardin related transcription factor A; minus strand). Cytogenetic location: 22q13.1.
Variant type: single nucleotide variant.
Coding change: c.1865A>T on transcript NM_020831.6 (MANE Select); coding-DNA position 1865, A replaced by T.
Protein change: p.Asp622Val; replaces aspartic acid 622 with valine.
Molecular consequence: missense variant.
Genome position (GRCh38, 1-based): chr22:40,418,873, T>A on the plus strand (A>T on the coding strand, the complement: MRTFA is on the minus strand). VCF-style: chr22-40418873-T-A. GRCh37 (hg19) VCF-style: chr22-40814877-T-A.
Other names: c.1565A>T, p.Asp522Val (NM_001282660.2); c.1715A>T, p.Asp572Val (NM_001282661.3); c.1865A>T, p.Asp622Val (NM_001282662.3); c.1670A>T, p.Asp557Val (NM_001318139.2); short protein forms D572V, D522V, D557V, D622V.
Identifiers: ClinVar variation 1929713 (VCV001929713.5), dbSNP rs150793465, ClinGen allele CA10249512.

ClinVar aggregate classification (germline): Uncertain significance (1 of 4 stars; one submission).

Allele frequency attached by ClinVar (database versions not stated): ExAC 0.00001; gnomAD exomes 0.00001; TOPMed 0.00001; ESP Exome Variant Server 0.00008.
gnomAD v4.1: 5 of 1,612,520 alleles (0.00031%); highest among the groups gnomAD compares: Non-Finnish European, 0.00042%; no homozygotes.

Submission:

Labcorp Genetics (formerly Invitae), Labcorp
Classification: Uncertain significance. Last evaluated: 2022-09-20. Review status: criteria provided, single submitter. Criteria: Invitae Variant Classification Sherloc (09022015). Collection method: clinical testing. Allele origin: germline.
Comment: In summary, the available evidence is currently insufficient to determine the role of this variant in disease. Therefore, it has been classified as a Variant of Uncertain Significance. Algorithms developed to predict the effect of missense changes on protein structure and function (SIFT, PolyPhen-2, Align-GVGD) all suggest that this variant is likely to be disruptive. This variant has not been reported in the literature in individuals affected with MKL1-related conditions. This variant is present in population databases (rs150793465, gnomAD 0.0009%). This sequence change replaces aspartic acid, which is acidic and polar, with valine, which is neutral and non-polar, at codon 522 of the MKL1 protein (p.Asp522Val).